The following is an entry in ClinVar:

NM_005359.6(SMAD4):c.*6158GATT[1]

Gene: SMAD4 (SMAD family member 4; plus strand). Cytogenetic location: 18q21.2.
Variant type: Microsatellite.
Coding change: c.*6158GATT[1] on transcript NM_005359.6 (MANE Select); one copy of the 4-base unit GATT starting at c.*6158; the reference has two copies in a row; one copy, 4 bases deleted.
Molecular consequence: 3 prime UTR variant.
Genome position (GRCh38, 1-based): chr18:51,084,629-51,084,632, GATT deleted; deleting any 4 consecutive bases within chr18:51,084,625-51,084,632 gives the same sequence; the position shown is the placement nearest the transcript's 3' end. VCF-style (leftmost placement, unchanged base first): chr18-51084624-GGATT-G. GRCh37 (hg19) VCF-style: chr18-48610994-GGATT-G.
Identifiers: ClinVar variation 327214 (VCV000327214.33), dbSNP rs886053936, ClinGen allele CA10651016.

ClinVar aggregate classification (germline): Likely benign (1 of 4 stars; one submission).

Submission:

CeGaT Center for Human Genetics Tuebingen
Classification: Likely benign. Last evaluated: 2023-07-01. Review status: criteria provided, single submitter. Criteria: CeGaT Center For Human Genetics Tuebingen Variant Classification Criteria Version 2. Collection method: clinical testing. Allele origin: germline. Affected: yes. Observed: 4 variant alleles.
Comment: SMAD4: BS1